The following is an entry in ClinVar:

ClinVar aggregate classification (germline): Uncertain significance (1 of 4 stars; one submission).

gnomAD v4.1: 3 of 1,613,964 alleles (0.00019%); highest among the groups gnomAD compares: South Asian, 0.0033%; no homozygotes.

Submission:

Labcorp Genetics (formerly Invitae), Labcorp
Classification: Uncertain significance. Last evaluated: 2024-05-31. Review status: criteria provided, single submitter. Criteria: Invitae Variant Classification Sherloc (09022015). Collection method: clinical testing. Allele origin: germline.
Comment: This sequence change replaces phenylalanine, which is neutral and non-polar, with leucine, which is neutral and non-polar, at codon 2047 of the FAT1 protein (p.Phe2047Leu). This variant is present in population databases (rs775398395, gnomAD 0.006%). This variant has not been reported in the literature in individuals affected with FAT1-related conditions. Advanced modeling of protein sequence and biophysical properties (such as structural, functional, and spatial information, amino acid conservation, physicochemical variation, residue mobility, and thermodynamic stability) performed at Invitae indicates that this missense variant is not expected to disrupt FAT1 protein function with a negative predictive value of 80%. In summary, the available evidence is currently insufficient to determine the role of this variant in disease. Therefore, it has been classified as a Variant of Uncertain Significance.

NM_005245.4(FAT1):c.6139T>C (p.Phe2047Leu)

Gene: FAT1 (FAT atypical cadherin 1; minus strand). Cytogenetic location: 4q35.2.
Variant type: single nucleotide variant.
Coding change: c.6139T>C on transcript NM_005245.4 (MANE Select); coding-DNA position 6139, T replaced by C.
Protein change: p.Phe2047Leu; replaces phenylalanine 2047 with leucine.
Molecular consequence: missense variant.
Genome position (GRCh38, 1-based): chr4:186,620,447, A>G on the plus strand (T>C on the coding strand, the complement: FAT1 is on the minus strand). VCF-style: chr4-186620447-A-G. GRCh37 (hg19) VCF-style: chr4-187541601-A-G.
Other names: short protein forms F2047L.
Identifiers: ClinVar variation 3713451 (VCV003713451.2).